The following is an entry in ClinVar:

ClinVar aggregate classification (germline): Uncertain significance (1 of 4 stars; one submission).

Submission:

Ambry Genetics
Classification: Uncertain significance. Last evaluated: 2024-12-16. Review status: criteria provided, single submitter. Criteria: Ambry Variant Classification Scheme 2023. Collection method: clinical testing. Allele origin: germline.
Comment: The p.E471A variant (also known as c.1412A>C), located in coding exon 2 of the CDK12 gene, results from an A to C substitution at nucleotide position 1412. The glutamic acid at codon 471 is replaced by alanine, an amino acid with dissimilar properties. This amino acid position is conserved. In addition, the in silico prediction for this alteration is inconclusive. Based on the available evidence, the clinical significance of this variant remains unclear.

NM_016507.4(CDK12):c.1412A>C (p.Glu471Ala)

Gene: CDK12 (cyclin dependent kinase 12; plus strand). Cytogenetic location: 17q12.
Variant type: single nucleotide variant.
Coding change: c.1412A>C on transcript NM_016507.4 (MANE Select); coding-DNA position 1412, A replaced by C.
Protein change: p.Glu471Ala; replaces glutamic acid 471 with alanine.
Molecular consequence: missense variant.
Genome position (GRCh38, 1-based): chr17:39,471,244, A>C. VCF-style: chr17-39471244-A-C. GRCh37 (hg19) VCF-style: chr17-37627497-A-C.
Other names: c.1412A>C, p.Glu471Ala (NM_015083.4); short protein forms E471A.
Identifiers: ClinVar variation 3830361 (VCV003830361.1).